The following is an entry in ClinVar:

ClinVar aggregate classification (germline): Conflicting classifications of pathogenicity. Review status: criteria provided, conflicting classifications (1 of 4 stars). 7 submissions from 6 submitters: Uncertain significance (2); Benign (3). 2 of the submissions do not count toward it. Last evaluated 2026-05-01.

Conditions:
CC2D2A-related disorder. Also called: CC2D2A-related disorders; CC2D2A-related condition. Identifiers: MedGen CN239313.
Meckel-Gruber syndrome. Also called: Dysencephalia splachnocystica; DYSENCEPHALIA SPLANCHNOCYSTICA; GRUBER SYNDROME. Identifiers: Orphanet 564, MedGen C0265215, MONDO:0018921.
Joubert syndrome. Also called: JOUBERT-BOLTSHAUSER SYNDROME; Familial aplasia of the vermis. Identifiers: Orphanet 475, MedGen C5979921, MONDO:0018772.
Microcephaly. Also called: Microcephaly (disease). Identifiers: MedGen C4551563, MONDO:0001149, HP:0000252.
Meckel syndrome, type 6. Identifiers: Orphanet 564, MedGen C2676790, MONDO:0012848, OMIM 612284.
Joubert syndrome 9 (JBTS9). Identifiers: Orphanet 2318, MedGen C2676788, MONDO:0012849, OMIM 612285.

Allele frequency attached by ClinVar (database versions not stated): ESP Exome Variant Server 0.00008; TOPMed 0.00023; 1000 Genomes Project 30x 0.00156; gnomAD 0.00192 and 0.00194; 1000 Genomes Project 0.00200; ExAC 0.00212; gnomAD exomes 0.00260.
gnomAD v4.1: 2,189 of 1,612,442 alleles (0.14%); highest among the groups gnomAD compares: East Asian, 1.3%; 19 homozygotes.

Submissions (7):

CeGaT Center for Human Genetics Tuebingen
Classification: Benign. Last evaluated: 2026-05-01. Review status: criteria provided, single submitter. Criteria: CeGaT Center For Human Genetics Tuebingen Variant Classification Criteria Version 2. Collection method: clinical testing. Allele origin: germline. Affected: yes. Observed: 2 variant alleles.
Comment: CC2D2A: BS1, BS2

Labcorp Genetics (formerly Invitae), Labcorp
Classification: Benign for Joubert syndrome; Meckel-Gruber syndrome. Last evaluated: 2026-01-25. Review status: criteria provided, single submitter. Criteria: Invitae Variant Classification Sherloc (09022015). Collection method: clinical testing. Allele origin: germline.

Mayo Clinic Laboratories, Mayo Clinic
Classification: Benign. Last evaluated: 2025-06-03. Review status: criteria provided, single submitter. Criteria: ACMG Guidelines, 2015. Collection method: clinical testing. Allele origin: germline. Observed: 1 variant allele.
Comment: BS1, BS2

Illumina Laboratory Services, Illumina
Classification: Uncertain significance for Meckel syndrome, type 6. Last evaluated: 2018-01-13. Review status: criteria provided, single submitter. Criteria: ICSL Variant Classification Criteria 13 December 2019. Collection method: clinical testing. Allele origin: germline.

Illumina Laboratory Services, Illumina
Classification: Uncertain significance for Joubert syndrome 9. Last evaluated: 2018-01-13. Review status: criteria provided, single submitter. Criteria: ICSL Variant Classification Criteria 13 December 2019. Collection method: clinical testing. Allele origin: germline.

PreventionGenetics, part of Exact Sciences
Classification: Likely benign for CC2D2A-related condition. Last evaluated: 2021-06-14. Review status: no assertion criteria provided. Collection method: clinical testing. Allele origin: germline. Not counted in ClinVar's aggregate classification.
Comment: This variant is classified as likely benign based on ACMG/AMP sequence variant interpretation guidelines (Richards et al. 2015 PMID: 25741868, with internal and published modifications).

Department of Pediatrics, Samsung Medical Center, Samsung Medical Center
Classification: Uncertain significance for Microcephaly. Review status: no assertion criteria provided. Criteria: ACMG Guidelines, 2015. Collection method: research. Allele origin: germline. Affected: yes. Not counted in ClinVar's aggregate classification.

Literature cited by the submitters: PubMed 27491411 (cited by Mayo Clinic Laboratories, Mayo Clinic); PubMed 31577543 (cited by Mayo Clinic Laboratories, Mayo Clinic); PubMed 34426522 (cited by Mayo Clinic Laboratories, Mayo Clinic); PubMed 34435324 (cited by Mayo Clinic Laboratories, Mayo Clinic).

NM_001378615.1(CC2D2A):c.4202C>G (p.Thr1401Ser)

Genes: CC2D2A (coiled-coil and C2 domain containing 2A; plus strand), FBXL5 (F-box and leucine rich repeat protein 5; minus strand). Cytogenetic location: 4p15.32.
Variant type: single nucleotide variant.
Coding change: c.4202C>G on transcript NM_001378615.1 (MANE Select); coding-DNA position 4202, C replaced by G.
Protein change: p.Thr1401Ser; replaces threonine 1401 with serine.
Molecular consequence: missense variant.
Genome position (GRCh38, 1-based): chr4:15,589,567, C>G. VCF-style: chr4-15589567-C-G. GRCh37 (hg19) VCF-style: chr4-15591190-C-G.
Other names: p.Thr1401Ser; c.4202C>G, p.Thr1401Ser (NM_001080522.2); c.4055C>G, p.Thr1352Ser (NM_001378617.1); short protein forms T1401S, T1352S.
Identifiers: ClinVar variation 347903 (VCV000347903.23), dbSNP rs143947747, ClinGen allele CA2864351.